The following is an entry in ClinVar:

NM_000193.4(SHH):c.116T>C (p.Leu39Pro)

Gene: SHH (sonic hedgehog signaling molecule; minus strand). Cytogenetic location: 7q36.3.
Variant type: single nucleotide variant.
Coding change: c.116T>C on transcript NM_000193.4 (MANE Select); coding-DNA position 116, T replaced by C.
Protein change: p.Leu39Pro; replaces leucine 39 with proline.
Molecular consequence: missense variant.
Genome position (GRCh38, 1-based): chr7:155,812,007, A>G on the plus strand (T>C on the coding strand, the complement: SHH is on the minus strand). VCF-style: chr7-155812007-A-G. GRCh37 (hg19) VCF-style: chr7-155604701-A-G.
Other names: short protein forms L39P.
Identifiers: ClinVar variation 2634149 (VCV002634149.1), dbSNP rs1428916820, ClinGen allele CA370152155.

ClinVar aggregate classification (germline): Uncertain significance (1 of 4 stars; one submission).

Conditions:
SHH-related disorder. Also called: SHH-related condition; SHH-related disorders.

Allele frequency attached by ClinVar (database versions not stated): TOPMed below 0.00001; gnomAD exomes 0.00001.
gnomAD v4.1: 17 of 1,614,156 alleles (0.0011%); highest among the groups gnomAD compares: Non-Finnish European, 0.0014%; no homozygotes.

Submission:

PreventionGenetics, part of Exact Sciences
Classification: Uncertain significance for SHH-related condition. Last evaluated: 2023-05-31. Review status: criteria provided, single submitter. Criteria: ACMG Guidelines, 2015. Collection method: clinical testing. Allele origin: germline.
Comment: The SHH c.116T>C variant is predicted to result in the amino acid substitution p.Leu39Pro. This variant was reported in an individual with holoprosencephaly; however, later functional studies did not support its pathogenicity (Roessler et al. 2009. PubMed ID: 19603532; Hong et al. 2020. PubMed ID: 32939873). This variant has not been reported in a large population database, indicating this variant is rare. At this time, the clinical significance of this variant is uncertain due to the absence of conclusive functional and genetic evidence.